The following is an entry in ClinVar:

NM_001458.5(FLNC):c.6381G>C (p.Lys2127Asn)

Genes: FLNC (filamin C; plus strand), FLNC-AS1 (FLNC antisense RNA 1; minus strand). Cytogenetic location: 7q32.1.
Variant type: single nucleotide variant.
Coding change: c.6381G>C on transcript NM_001458.5 (MANE Select); coding-DNA position 6381, G replaced by C.
Protein change: p.Lys2127Asn; replaces lysine 2127 with asparagine.
Molecular consequence: missense variant.
Genome position (GRCh38, 1-based): chr7:128,853,734, G>C. VCF-style: chr7-128853734-G-C. GRCh37 (hg19) VCF-style: chr7-128493788-G-C.
Other names: c.6282G>C, p.Lys2094Asn (NM_001127487.2); short protein forms K2094N, K2127N.
Identifiers: ClinVar variation 3221748 (VCV003221748.4), dbSNP rs2536662742, ClinGen allele CA369212423.

ClinVar aggregate classification (germline): Uncertain significance. Review status: criteria provided, multiple submitters, no conflicts (2 of 4 stars). 3 submissions from 3 submitters: Uncertain significance (3). Last evaluated 2025-05-13.

Conditions:
Myofibrillar myopathy 5. Also called: Filaminopathy (type); FILAMINOPATHY, AUTOSOMAL DOMINANT. Identifiers: Orphanet 171445, MedGen C1836050, MONDO:0012289, OMIM 609524.
Hypertrophic cardiomyopathy 26. Also called: Cardiomyopathy, familial hypertrophic, 26. Identifiers: Orphanet 75249, MedGen C4310749, MONDO:0014883, OMIM 617047.
Distal myopathy with posterior leg and anterior hand involvement. Also called: WILLIAMS DISTAL MYOPATHY. Identifiers: Orphanet 63273, MedGen C3279722, MONDO:0013550, OMIM 614065.
Cardiovascular phenotype. Identifiers: MedGen CN230736.

Allele frequency attached by ClinVar (database versions not stated): gnomAD exomes below 0.00001.
gnomAD v4.1: 2 of 1,613,920 alleles (0.00012%); highest among the groups gnomAD compares: Non-Finnish European, 0.00017%; no homozygotes.

Submissions (3):

Labcorp Genetics (formerly Invitae), Labcorp
Classification: Uncertain significance for Distal myopathy with posterior leg and anterior hand involvement; Myofibrillar myopathy 5; Hypertrophic cardiomyopathy 26. Last evaluated: 2025-05-13. Review status: criteria provided, single submitter. Criteria: Invitae Variant Classification Sherloc (09022015). Collection method: clinical testing. Allele origin: germline.
Comment: This sequence change replaces lysine, which is basic and polar, with asparagine, which is neutral and polar, at codon 2127 of the FLNC protein (p.Lys2127Asn). This variant is not present in population databases (gnomAD no frequency). This variant has not been reported in the literature in individuals affected with FLNC-related conditions. ClinVar contains an entry for this variant (Variation ID: 3221748). Invitae Evidence Modeling of protein sequence and biophysical properties (such as structural, functional, and spatial information, amino acid conservation, physicochemical variation, residue mobility, and thermodynamic stability) has been performed for this missense variant. However, the output from this modeling did not meet the statistical confidence thresholds required to predict the impact of this variant on FLNC protein function. In summary, the available evidence is currently insufficient to determine the role of this variant in disease. Therefore, it has been classified as a Variant of Uncertain Significance.

Ambry Genetics
Classification: Uncertain significance for Cardiovascular phenotype. Last evaluated: 2023-11-09. Review status: criteria provided, single submitter. Criteria: Ambry Variant Classification Scheme 2023. Collection method: clinical testing. Allele origin: germline.
Comment: The p.K2127N variant (also known as c.6381G>C), located in coding exon 39 of the FLNC gene, results from a G to C substitution at nucleotide position 6381. The lysine at codon 2127 is replaced by asparagine, an amino acid with similar properties. This amino acid position is conserved. In addition, the in silico prediction for this alteration is inconclusive. Since supporting evidence is limited at this time, the clinical significance of this alteration remains unclear.

Blueprint Genetics
Classification: Uncertain significance. Last evaluated: 2023-08-23. Review status: criteria provided, single submitter. Criteria: ACMG Guidelines, 2015. Collection method: clinical testing. Allele origin: germline.